The following is an entry in ClinVar:

NM_003597.5(KLF11):c.*2144C>T

Gene: KLF11 (KLF transcription factor 11; plus strand). Cytogenetic location: 2p25.1.
Variant type: single nucleotide variant.
Coding change: c.*2144C>T on transcript NM_003597.5 (MANE Select); 2144 bases downstream of the stop codon, C replaced by T.
Molecular consequence: 3 prime UTR variant.
Genome position (GRCh38, 1-based): chr2:10,054,651, C>T. VCF-style: chr2-10054651-C-T. GRCh37 (hg19) VCF-style: chr2-10194778-C-T.
Other names: c.*2144C>T (NM_001177716.2, NM_001177718.2).
Identifiers: ClinVar variation 330678 (VCV000330678.5), dbSNP rs139703378, ClinGen allele CA10610549.

ClinVar aggregate classification (germline): Benign (1 of 4 stars; one submission).

Conditions:
Maturity-onset diabetes of the young type 7 (MODY7). Identifiers: Orphanet 552, MedGen C1864839, MONDO:0012513, OMIM 610508.

Allele frequency attached by ClinVar (database versions not stated): gnomAD 0.00157; TOPMed 0.00157; 1000 Genomes Project 30x 0.00172; 1000 Genomes Project 0.00220.

Submission:

Illumina Laboratory Services, Illumina
Classification: Benign for Maturity-onset diabetes of the young type 7. Last evaluated: 2018-01-13. Review status: criteria provided, single submitter. Criteria: ICSL Variant Classification Criteria 13 December 2019. Collection method: clinical testing. Allele origin: germline.
Comment: This variant was observed in the ICSL laboratory as part of a predisposition screen in an ostensibly healthy population. It had not been previously curated by ICSL or reported in the Human Gene Mutation Database (HGMD: prior to June 1st, 2018), and was therefore a candidate for classification through an automated scoring system. Utilizing variant allele frequency, disease prevalence and penetrance estimates, and inheritance mode, an automated score was calculated to assess if this variant is too frequent to cause the disease. Based on the score and internal cut-off values, a variant classified as benign is not then subjected to further curation. The score for this variant resulted in a classification of benign for this disease.